The following is an entry in ClinVar:

NC_000019.9:g.(36337097_36338942)_(36340556_36341265)del

Gene: NPHS1 (NPHS1 adhesion molecule, nephrin; minus strand). Cytogenetic location: 19q13.12.
Variant type: Deletion.
Identifiers: ClinVar variation 1878313 (VCV001878313.1).

ClinVar aggregate classification (germline): Likely pathogenic (1 of 4 stars; one submission).

Conditions:
Finnish congenital nephrotic syndrome (NPHS1). Also called: NEPHROTIC SYNDROME, TYPE 1. Identifiers: Orphanet 839, MedGen C0403399, MONDO:0009732, OMIM 256300.

Submission:

Women's Health and Genetics/Laboratory Corporation of America, LabCorp
Classification: Likely pathogenic for Finnish congenital nephrotic syndrome. Last evaluated: 2022-12-15. Review status: criteria provided, single submitter. Criteria: LabCorp Variant Classification Summary - May 2015. Collection method: clinical testing. Allele origin: germline.
Comment: Variant summary: The variant identified by MLPA or other technology involves the deletion of exons 6-11 in the NPHS1 gene. A presumed nomenclature of c.(608+1_609-1)_(1440+1_1441-1)del has been designated for the purposes of this classification. Although exact breakpoints of this deletion are not known, it is expected to result in a frameshift in the NPHS1 gene, a known mechanism of disease. The variant was absent in 21694 control chromosomes in the gnomAD database (structural variants data set). To our knowledge, no occurrence of c.(608+1_609-1)_(1440+1_1441-1)del in individuals affected with Nephrotic Syndrome, Type 1 and no experimental evidence demonstrating its impact on protein function have been reported. No clinical diagnostic laboratories have submitted clinical-significance assessments for this variant to ClinVar after 2014. Based on the evidence outlined above, the variant was classified as likely pathogenic.